The following is an entry in ClinVar:

NM_000203.5(IDUA):c.141G>A (p.Trp47Ter)

Genes: IDUA (alpha-L-iduronidase; plus strand), SLC26A1 (solute carrier family 26 member 1; minus strand). Cytogenetic location: 4p16.3.
Variant type: single nucleotide variant.
Coding change: c.141G>A on transcript NM_000203.5 (MANE Select); coding-DNA position 141, G replaced by A.
Protein change: p.Trp47Ter; replaces tryptophan 47 with a stop codon.
Molecular consequence: nonsense. On other transcripts: non-coding transcript variant (1), intron variant (1).
Genome position (GRCh38, 1-based): chr4:987,225, G>A. VCF-style: chr4-987225-G-A. GRCh37 (hg19) VCF-style: chr4-981013-G-A.
Other names: c.576+3903C>T (NM_134425.4); short protein forms W47*.
Identifiers: ClinVar variation 938186 (VCV000938186.13), dbSNP rs1713799895, ClinGen allele CA355945630.

ClinVar aggregate classification (germline): Pathogenic/Likely pathogenic. Review status: criteria provided, multiple submitters, no conflicts (2 of 4 stars). 4 submissions from 4 submitters: Pathogenic (3); Likely pathogenic (1). Last evaluated 2026-08-11.

Conditions:
IDUA-related disorder. Also called: IDUA-related condition.
Mucopolysaccharidosis type 1. Also called: IDUA deficiency; MPS I; Mucopolysaccharidosis Type I. Identifiers: Orphanet 579, MedGen C0023786, MONDO:0001586.

Allele frequency attached by ClinVar (database versions not stated): gnomAD exomes below 0.00001.
gnomAD v4.1: 1 of 1,502,466 alleles (0.000067%); highest among the groups gnomAD compares: Non-Finnish European, 0.000088%; no homozygotes.

Submissions (4):

PreventionGenetics, part of Exact Sciences
Classification: Likely pathogenic for IDUA-related condition. Last evaluated: 2026-08-11. Review status: criteria provided, single submitter. Criteria: ACMG Guidelines, 2015. Collection method: clinical testing. Allele origin: germline.
Comment: The IDUA c.141G>A variant is predicted to result in premature protein termination (p.Trp47*). To our knowledge, this variant has not been reported in the literature or in a large population database, indicating this variant is rare. Nonsense variants in IDUA are expected to be pathogenic. This variant is interpreted as likely pathogenic.

Myriad Genetics, Inc.
Classification: Pathogenic for Mucopolysaccharidosis type 1. Last evaluated: 2025-12-22. Review status: criteria provided, single submitter. Criteria: Myriad Autosomal Dominant, Autosomal Recessive and X-Linked Classification Criteria (2023). Collection method: clinical testing. Allele origin: unknown.
Comment: NM_000203.3(IDUA):c.141G>A(W47*) is a nonsense variant classified as pathogenic in the context of mucopolysaccharidosis type I. W47* has not been observed in cases with relevant disease. Relevant functional assessments of this variant are not available in the literature. W47* has not been observed in referenced population frequency databases. In summary, NM_000203.3(IDUA):c.141G>A(W47*) is a nonsense variant in a gene where loss of function is a known mechanism of disease and is predicted to disrupt protein function. Please note: this variant was assessed in the context of healthy population screening.

Revvity Omics, Revvity
Classification: Pathogenic. Last evaluated: 2025-06-02. Review status: criteria provided, single submitter. Criteria: ACMG Guidelines, 2015. Collection method: clinical testing. Allele origin: germline.

Labcorp Genetics (formerly Invitae), Labcorp
Classification: Pathogenic for Mucopolysaccharidosis type 1. Last evaluated: 2024-12-31. Review status: criteria provided, single submitter. Criteria: Invitae Variant Classification Sherloc (09022015). Collection method: clinical testing. Allele origin: germline.
Comment: This sequence change creates a premature translational stop signal (p.Trp47*) in the IDUA gene. It is expected to result in an absent or disrupted protein product. Loss-of-function variants in IDUA are known to be pathogenic (PMID: 11735025, 21480867). This variant is not present in population databases (gnomAD no frequency). This variant has not been reported in the literature in individuals affected with IDUA-related conditions. ClinVar contains an entry for this variant (Variation ID: 938186). For these reasons, this variant has been classified as Pathogenic.

Literature cited by the submitters: PubMed 11735025 (cited by Labcorp Genetics (formerly Invitae), Labcorp); PubMed 21480867 (cited by Labcorp Genetics (formerly Invitae), Labcorp).